The following is an entry in ClinVar:

NM_004415.4(DSP):c.7622G>A (p.Arg2541Lys)

Gene: DSP (desmoplakin; plus strand). Cytogenetic location: 6p24.3.
Variant type: single nucleotide variant.
Coding change: c.7622G>A on transcript NM_004415.4 (MANE Select); coding-DNA position 7622, G replaced by A.
Protein change: p.Arg2541Lys; replaces arginine 2541 with lysine.
Molecular consequence: missense variant.
Genome position (GRCh38, 1-based): chr6:7,584,884, G>A. VCF-style: chr6-7584884-G-A. GRCh37 (hg19) VCF-style: chr6-7585117-G-A.
Other names: c.5825G>A, p.Arg1942Lys (NM_001008844.3); c.6293G>A, p.Arg2098Lys (NM_001319034.2); c.7622G>A (NM_004415.3); short protein forms R2541K, R2098K, R1942K.
Identifiers: ClinVar variation 228649 (VCV000228649.30), dbSNP rs142078450, ClinGen allele CA050314.

ClinVar aggregate classification (germline): Conflicting classifications of pathogenicity. Review status: criteria provided, conflicting classifications (1 of 4 stars). 13 submissions from 12 submitters: Uncertain significance (12); Likely benign (1). Last evaluated 2026-05-01.

Conditions:
DSP-related disorder. Also called: DSP-related condition; DSP-related disorders.
Cardiovascular phenotype. Identifiers: MedGen CN230736.
Cardiomyopathy (CMYO). Also called: Cardiomyopathies. Identifiers: Orphanet 167848, MedGen C0878544, MONDO:0004994, HP:0001638. Inheritance: Various modes of inheritance.
Arrhythmogenic cardiomyopathy with wooly hair and keratoderma. Also called: Carvajal syndrome; PALMOPLANTAR KERATODERMA WITH LEFT VENTRICULAR CARDIOMYOPATHY AND WOOLLY HAIR; Arrhythmogenic cardiomyopathy with woolly hair and keratoderma; Dilated cardiomyopathy with woolly hair and keratoderma. Identifiers: Orphanet 65282, MedGen C1854063, MONDO:0011581, OMIM 605676.
Arrhythmogenic right ventricular dysplasia 8 (ARVD8). Also called: Arrhythmogenic Right Ventricular Dysplasia/Cardiomyopathy 8; ARRHYTHMOGENIC RIGHT VENTRICULAR DYSPLASIA, FAMILIAL, 8; ARRHYTHMOGENIC RIGHT VENTRICULAR CARDIOMYOPATHY 8. Identifiers: MedGen C1843896, MONDO:0011831, OMIM 607450.
Lethal acantholytic epidermolysis bullosa (EBLA). Identifiers: Orphanet 158687, MedGen C1864826, MONDO:0012323, OMIM 609638.
Woolly hair-skin fragility syndrome (WHSF). Identifiers: Orphanet 293165, MedGen C1843292, MONDO:0957307, OMIM 620415.
Primary dilated cardiomyopathy (DCM). Also called: Dilated Cardiomyopathy. Identifiers: Orphanet 217604, MedGen C0007193, MeSH D002311, MONDO:0005021, HP:0001644. Inheritance: Various modes of inheritance.
Hypertrophic cardiomyopathy. Also called: HYPERTROPHIC MYOCARDIOPATHY. Identifiers: Orphanet 217569, MedGen C0007194, MeSH D002312, MONDO:0005045, HP:0001639.

Allele frequency attached by ClinVar (database versions not stated): ExAC 0.00002; gnomAD 0.00002 and 0.00003; gnomAD exomes 0.00002 and 0.00003; TOPMed 0.00003.

Submissions (13):

CeGaT Center for Human Genetics Tuebingen
Classification: Uncertain significance. Last evaluated: 2026-05-01. Review status: criteria provided, single submitter. Criteria: CeGaT Center For Human Genetics Tuebingen Variant Classification Criteria Version 2. Collection method: clinical testing. Allele origin: germline. Affected: yes. Observed: 1 variant allele.
Comment: DSP: PM5, BP4

PreventionGenetics, part of Exact Sciences
Classification: Uncertain significance for DSP-related condition. Last evaluated: 2026-04-16. Review status: criteria provided, single submitter. Criteria: ACMG Guidelines, 2015. Collection method: clinical testing. Allele origin: germline.
Comment: The DSP c.7622G>A variant is predicted to result in the amino acid substitution p.Arg2541Lys. This variant has been reported in a family with arrhythmogenic right ventricular cardiomyopathy/dysplasia (ARVC/D); however, it was not found in one carrier with ARVC/D and two carriers showing clinical signs of disease without fulfilling diagnostic criteria (Bauce et al. 2010. PubMed ID: 20129281). This variant has also been reported in an individual with dilated cardiomyopathy (Table S3, Lenarduzzi et al. 2023. PubMed ID: 36788754). This variant is reported in 0.0039% of alleles in individuals of European (Non-Finnish) descent in gnomAD. An alternate missense change at the same amino acid position (p.Arg2541Ser) has been reported in an individual with ARVC/D (Table S3, Bao et al. 2013. PubMed ID: 24125834). At this time, the clinical significance of the c.7622G>A (p.Arg2541Lys) variant is uncertain due to the absence of conclusive functional and genetic evidence.

Labcorp Genetics (formerly Invitae), Labcorp
Classification: Likely benign for Arrhythmogenic cardiomyopathy with wooly hair and keratoderma; Arrhythmogenic right ventricular dysplasia 8. Last evaluated: 2026-01-15. Review status: criteria provided, single submitter. Criteria: Invitae Variant Classification Sherloc (09022015). Collection method: clinical testing. Allele origin: germline.

Ambry Genetics
Classification: Uncertain significance for Cardiovascular phenotype. Last evaluated: 2025-01-10. Review status: criteria provided, single submitter. Criteria: Ambry Variant Classification Scheme 2023. Collection method: clinical testing. Allele origin: germline.
Comment: The p.R2541K variant (also known as c.7622G>A), located in coding exon 24 of the DSP gene, results from a G to A substitution at nucleotide position 7622. The arginine at codon 2541 is replaced by lysine, an amino acid with highly similar properties. This variant was reported in a proband with arrhythmogenic right ventricular cardiomyopathy (ARVC), as well as in at least two family members with ARVC; however, this variant was not detected in another family member with ARVC, and at least two unaffected carriers were reported in this family (Bauce B et al. Heart Rhythm, 2010 Jan;7:22-9; Rigato I et al. Circ Cardiovasc Genet, 2013 Dec;6:533-42; Zorzi A et al. Europace, 2016 Jul;18:1086-94). This amino acid position is not well conserved in available vertebrate species. In addition, the in silico prediction for this alteration is inconclusive. Since supporting evidence is limited at this time, the clinical significance of this alteration remains unclear.

Blueprint Genetics
Classification: Uncertain significance. Last evaluated: 2024-11-08. Review status: criteria provided, single submitter. Criteria: ACMG Guidelines, 2015. Collection method: clinical testing. Allele origin: germline.

Color Diagnostics, LLC DBA Color Health
Classification: Uncertain significance for Cardiomyopathy. Last evaluated: 2024-05-23. Review status: criteria provided, single submitter. Criteria: ACMG Guidelines, 2015. Collection method: clinical testing. Allele origin: germline.
Comment: This missense variant replaces arginine with lysine at codon 2541 of the DSP protein. Computational prediction suggests that this variant may not impact protein structure and function. To our knowledge, functional studies have not been reported for this variant. This variant has been reported in multiple individuals with arrhythmogenic right ventricular cardiomyopathy (PMID: 21723241, 24070718). However, this variant did not segregate with disease in multiple individuals from one family (PMID: 20129281). This variant has been identified in 5/282902 chromosomes in the general population by the Genome Aggregation Database (gnomAD). The available evidence is insufficient to determine the role of this variant in disease conclusively. Therefore, this variant is classified as a Variant of Uncertain Significance.

Department of Pathology and Laboratory Medicine, Sinai Health System
Classification: Uncertain significance for hypertrophic cardiomyopathy. Last evaluated: 2020-08-20. Review status: criteria provided, single submitter. Criteria: ACMG Guidelines, 2015. Collection method: research. Allele origin: germline.

Victorian Clinical Genetics Services, Murdoch Childrens Research Institute
Classification: Uncertain significance for Primary dilated cardiomyopathy. Last evaluated: 2020-05-21. Review status: criteria provided, single submitter. Criteria: ACMG Guidelines, 2015. Collection method: clinical testing. Allele origin: germline. Affected: yes.
Comment: Based on the classification scheme VCGS_Germline_v1.1.1, this variant is classified as 3B - VUS. Following criteria are met: 0102 - Loss-of-function is a known mechanism of disease for this gene. (N) 0108 - This gene is known to be associated with both recessive and dominant disease (OMIM). (N) 0112 - Variants in this gene are known to have reduced penetrance (Incomplete (age-dependent) penetrance and variable expressivity is a well reported aspect of arrhythmogenic cardiomyopathy (PMID: 29062697). (N) 0200 - Variant is predicted to result in a missense amino acid change from arginine to lysine (exon 24). (N) 0251 - Variant is heterozygous. (N) 0302 - Variant is present in gnomAD <0.001 for a dominant condition (5 heterozygotes, 0 homozygotes). (P) 0503 - Missense variant consistently predicted to be tolerated with low conservation in mammals and a minor amino acid change. (B) 0504 - Same amino acid change has been observed in mammals. (B) 0600 - Variant is located in an annotated domain or motif (Globular 2 motif; PDB). (N) 0704 - Comparable variant has low previous evidence for pathogenicity. p.(Arg2541Ser) was identified in 1 patient with ARVC (PMID: 24125834) (P) 0804 - Variant has previously been described as variant of uncertain significance in multiple independent cases with consistent phenotype. This variant has been reported in a desmosomal-gene carrier cohort (PMID: 26138720) as well as a VUS multiple times (ClinVar, PMID: 28471438). It was also identified in one ARVC family, however, one affected individual did not harbour the variant (PMID: 20129281) (P) 1007 - No published functional evidence has been identified for this variant. (N) 1208 - Inheritance information for this variant is not currently available. (N) Legend: (P) - Pathogenic, (N) - Neutral, (B) - Benign

GeneDx
Classification: Uncertain significance. Last evaluated: 2020-01-14. Review status: criteria provided, single submitter. Criteria: GeneDx Variant Classification Process June 2021. Collection method: clinical testing. Allele origin: germline. Affected: yes.
Comment: Reported in ClinVar as a variant of uncertain significance (ClinVar Variant ID# 228649; Landrum et al., 2016); Not observed at a significant frequency in large population cohorts (Lek et al., 2016); In silico analysis, which includes protein predictors and evolutionary conservation, supports that this variant does not alter protein structure/function; This variant is associated with the following publications: (PMID: 31402444, 24125834, 24070718, 21723241, 26138720, 23911551, 20129281)

CHEO Genetics Diagnostic Laboratory, Children's Hospital of Eastern Ontario
Classification: Uncertain significance for Cardiomyopathy. Last evaluated: 2019-10-03. Review status: criteria provided, single submitter. Criteria: ACMG Guidelines, 2015. Collection method: clinical testing. Allele origin: germline.

Illumina Laboratory Services, Illumina
Classification: Uncertain significance for Lethal acantholytic epidermolysis bullosa. Last evaluated: 2017-04-27. Review status: criteria provided, single submitter. Criteria: ICSL Variant Classification Criteria 13 December 2019. Collection method: clinical testing. Allele origin: germline.

Illumina Laboratory Services, Illumina
Classification: Uncertain significance for Arrhythmogenic cardiomyopathy with wooly hair and keratoderma. Last evaluated: 2017-04-27. Review status: criteria provided, single submitter. Criteria: ICSL Variant Classification Criteria 13 December 2019. Collection method: clinical testing. Allele origin: germline.

Laboratory for Molecular Medicine, Mass General Brigham Personalized Medicine
Classification: Uncertain significance. Last evaluated: 2015-05-27. Review status: criteria provided, single submitter. Criteria: LMM Criteria. Collection method: clinical testing. Allele origin: germline. Observed: 1 variant allele.
Comment: The p.Arg2541Lys variant in DSP has been reported in 1 individual with ARVC (Bau ce 2010, Bauce 2011, Rigato 2013). The variant segregated with disease in 3 affe cted family members (including 2 obligate carriers); however, another affected r elative did not carry the variant (Bauce 2010). This variant has been identified in 3/66740 European chromosomes by the Exome Aggregation Consortium (ExAC; dbSNP rs142078450). Arginine (Arg) at position 2541 is not conserved evolution and 4 mammals carry a lysine (Lys), suggesting that t his change may be tolerated. In summary, the clinical significance of the p.Arg2 541Lys variant is uncertain due to conflicting data.

Literature cited by the submitters: PubMed 20129281 (cited by 4 submitters); PubMed 21723241 (cited by 3 submitters); PubMed 24070718 (cited by 3 submitters); PubMed 24125834 (cited by 3 submitters); PubMed 26138720 (cited by Ambry Genetics and Victorian Clinical Genetics Services, Murdoch Childrens Research Institute); PubMed 28471438 (cited by Ambry Genetics and Victorian Clinical Genetics Services, Murdoch Childrens Research Institute); PubMed 31402444 (cited by Ambry Genetics); PubMed 29062697 (cited by Victorian Clinical Genetics Services, Murdoch Childrens Research Institute).